The following is an entry in ClinVar:

ClinVar aggregate classification (germline): Uncertain significance. Review status: criteria provided, multiple submitters, no conflicts (2 of 4 stars). 3 submissions from 3 submitters: Uncertain significance (3). Last evaluated 2023-11-19.

Conditions:
Hereditary cancer-predisposing syndrome. Also called: Hereditary neoplastic syndrome; Neoplastic Syndromes, Hereditary; Tumor predisposition; Hereditary Cancer Syndrome. Identifiers: Orphanet 140162, MedGen C0027672, MeSH D009386, MONDO:0015356.
Lymphangiomyomatosis (LAM). Also called: Lymphangioleiomyomatosis; Lymphangioleiomyomatosis, somatic. Identifiers: Orphanet 538, MedGen C0751674, MONDO:0011705, OMIM 606690.
Isolated focal cortical dysplasia type II (FCORD2). Also called: Focal cortical dysplasia type II; CORTICAL DYSPLASIA OF TAYLOR. Identifiers: Orphanet 268994, MedGen C1846385, MONDO:0011818, OMIM 607341, HP:0032051.
Tuberous sclerosis 2 (TSC2). Identifiers: Orphanet 805, MedGen C1860707, MONDO:0013199, OMIM 613254.

Allele frequency attached by ClinVar (database versions not stated): gnomAD exomes below 0.00001.
gnomAD v4.1: 1 of 1,613,276 alleles (0.000062%); highest among the groups gnomAD compares: Non-Finnish European, 0.000085%; no homozygotes.

Submissions (3):

Ambry Genetics
Classification: Uncertain significance for Hereditary cancer-predisposing syndrome. Last evaluated: 2023-11-19. Review status: criteria provided, single submitter. Criteria: Ambry Variant Classification Scheme 2023. Collection method: clinical testing. Allele origin: germline.
Comment: The p.N1522D variant (also known as c.4564A>G), located in coding exon 34 of the TSC2 gene, results from an A to G substitution at nucleotide position 4564. The asparagine at codon 1522 is replaced by aspartic acid, an amino acid with highly similar properties. This amino acid position is conserved. In addition, the in silico prediction for this alteration is inconclusive. Since supporting evidence is limited at this time, the clinical significance of this alteration remains unclear.

Labcorp Genetics (formerly Invitae), Labcorp
Classification: Uncertain significance for Tuberous sclerosis 2. Last evaluated: 2022-12-02. Review status: criteria provided, single submitter. Criteria: Invitae Variant Classification Sherloc (09022015). Collection method: clinical testing. Allele origin: germline.
Comment: In summary, the available evidence is currently insufficient to determine the role of this variant in disease. Therefore, it has been classified as a Variant of Uncertain Significance. Advanced modeling of protein sequence and biophysical properties (such as structural, functional, and spatial information, amino acid conservation, physicochemical variation, residue mobility, and thermodynamic stability) performed at Invitae indicates that this missense variant is not expected to disrupt TSC2 protein function. ClinVar contains an entry for this variant (Variation ID: 1020190). This variant has not been reported in the literature in individuals affected with TSC2-related conditions. This variant is not present in population databases (gnomAD no frequency). This sequence change replaces asparagine, which is neutral and polar, with aspartic acid, which is acidic and polar, at codon 1522 of the TSC2 protein (p.Asn1522Asp).

Fulgent Genetics
Classification: Uncertain significance for Lymphangiomyomatosis; Isolated focal cortical dysplasia type II; Tuberous sclerosis 2. Last evaluated: 2022-03-22. Review status: criteria provided, single submitter. Criteria: ACMG Guidelines, 2015. Collection method: clinical testing. Allele origin: unknown.

NM_000548.5(TSC2):c.4564A>G (p.Asn1522Asp)

Gene: TSC2 (TSC complex subunit 2; plus strand). Cytogenetic location: 16p13.3.
Variant type: single nucleotide variant.
Coding change: c.4564A>G on transcript NM_000548.5 (MANE Select); coding-DNA position 4564, A replaced by G.
Protein change: p.Asn1522Asp; replaces asparagine 1522 with aspartic acid.
Molecular consequence: missense variant.
Genome position (GRCh38, 1-based): chr16:2,085,021, A>G. VCF-style: chr16-2085021-A-G. GRCh37 (hg19) VCF-style: chr16-2135022-A-G.
Other names: c.4363A>G, p.Asn1455Asp (NM_001077183.3); c.4495A>G, p.Asn1499Asp (NM_001114382.3); c.4255A>G, p.Asn1419Asp (NM_001318827.2); c.4219A>G, p.Asn1407Asp (NM_001318829.2); c.3832A>G, p.Asn1278Asp (NM_001318831.2); c.4396A>G, p.Asn1466Asp (NM_001318832.2); c.4366A>G, p.Asn1456Asp (NM_001363528.2); c.4432A>G, p.Asn1478Asp (NM_001370404.1); and 2 more; short protein forms N1278D, N1407D, N1419D, N1455D, N1456D, N1466D, N1478D, N1479D.
Identifiers: ClinVar variation 1020190 (VCV001020190.11), dbSNP rs2090589266, ClinGen allele CA394303067.